The following is an entry in ClinVar:

NM_000489.6(ATRX):c.7439G>A (p.Arg2480Lys)

Gene: ATRX (ATRX chromatin remodeler; minus strand). Cytogenetic location: Xq21.1.
Variant type: single nucleotide variant.
Coding change: c.7439G>A on transcript NM_000489.6 (MANE Select); coding-DNA position 7439, G replaced by A.
Protein change: p.Arg2480Lys; replaces arginine 2480 with lysine.
Molecular consequence: missense variant.
Genome position (GRCh38, 1-based): chrX:77,508,391, C>T on the plus strand (G>A on the coding strand, the complement: ATRX is on the minus strand). VCF-style: chrX-77508391-C-T. GRCh37 (hg19) VCF-style: chrX-76763869-C-T.
Other names: c.7439G>A (NM_000489.3); c.7325G>A, p.Arg2442Lys (NM_138270.5); short protein forms R2442K, R2480K.
Identifiers: ClinVar variation 991719 (VCV000991719.11), dbSNP rs369871569, ClinGen allele CA10457375.

ClinVar aggregate classification (germline): Conflicting classifications of pathogenicity. Review status: criteria provided, conflicting classifications (1 of 4 stars). 3 submissions from 3 submitters: Uncertain significance (1); Likely benign (1). 1 of the submissions does not count toward it. Last evaluated 2025-11-17.

Conditions:
Alpha thalassemia-X-linked intellectual disability syndrome (ATRX). Also called: ALPHA-THALASSEMIA/MENTAL RETARDATION SYNDROME, X-LINKED; ATR, NONDELETION TYPE; ATR-X syndrome; Alpha thalassemia mental retardation syndrome, nondeletion type, X-linked; XLMR hypotonic face syndrome; X-linked alpha-thalassemia-mental retardation syndrome. Identifiers: Orphanet 847, MedGen C1845055, MONDO:0010519, OMIM 301040.

Allele frequency attached by ClinVar (database versions not stated): TOPMed 0.00003; gnomAD exomes 0.00003 and 0.00002; ExAC 0.00001; gnomAD 0.00004; ESP Exome Variant Server 0.00009.
gnomAD v4.1: 34 of 1,209,533 alleles (0.0028%); highest among the groups gnomAD compares: Non-Finnish European, 0.0038%; no homozygotes.

Submissions (3):

Labcorp Genetics (formerly Invitae), Labcorp
Classification: Likely benign for Alpha thalassemia-X-linked intellectual disability syndrome. Last evaluated: 2025-11-17. Review status: criteria provided, single submitter. Criteria: Invitae Variant Classification Sherloc (09022015). Collection method: clinical testing. Allele origin: germline.

GeneDx
Classification: Uncertain significance. Last evaluated: 2019-11-13. Review status: criteria provided, single submitter. Criteria: GeneDx Variant Classification Process June 2021. Collection method: clinical testing. Allele origin: germline. Affected: yes.
Comment: In silico analysis, which includes protein predictors and evolutionary conservation, supports that this variant does not alter protein structure/function; Has not been previously published as pathogenic or benign to our knowledge

Natera, Inc.
Classification: Uncertain significance for X-linked alpha-thalassemia-mental retardation syndrome. Last evaluated: 2020-09-11. Review status: no assertion criteria provided. Collection method: clinical testing. Allele origin: germline. Not counted in ClinVar's aggregate classification.